The following is an entry in ClinVar:

NM_003545.4(H4C5):c.81C>G (p.Ile27Met)

Genes: H4C5 (H4 clustered histone 5; plus strand), LOC129996027 (ATAC-STARR-seq lymphoblastoid active region 24208; plus strand). Cytogenetic location: 6p22.2.
Variant type: single nucleotide variant.
Coding change: c.81C>G on transcript NM_003545.4 (MANE Select); coding-DNA position 81, C replaced by G.
Protein change: p.Ile27Met; replaces isoleucine 27 with methionine.
Molecular consequence: missense variant.
Genome position (GRCh38, 1-based): chr6:26,204,725, C>G. VCF-style: chr6-26204725-C-G. GRCh37 (hg19) VCF-style: chr6-26204953-C-G.
Other names: short protein forms I27M.
Identifiers: ClinVar variation 3235778 (VCV003235778.1), dbSNP rs1765191304, ClinGen allele CA363200505.

ClinVar aggregate classification (germline): Likely pathogenic (1 of 4 stars; one submission).

Conditions:
Tessadori-Van Haaften neurodevelopmental syndrome 3 (TEBIVANED3). Identifiers: MedGen C5774310, MONDO:0030993, OMIM 619950.

Submission:

Greenwood Genetic Center Diagnostic Laboratories, Greenwood Genetic Center
Classification: Likely pathogenic for Tessadori-Van Haaften neurodevelopmental syndrome 3. Last evaluated: 2024-01-09. Review status: criteria provided, single submitter. Criteria: ACMG Guidelines, 2015. Collection method: clinical testing. Allele origin: germline. Affected: yes.
Comment: PS2, PM2